The following is an entry in ClinVar:

ClinVar aggregate classification (germline): Pathogenic (1 of 4 stars; one submission).

Conditions:
Hereditary cancer-predisposing syndrome. Also called: Neoplastic Syndromes, Hereditary; Tumor predisposition; Hereditary Cancer Syndrome; Hereditary neoplastic syndrome. Identifiers: Orphanet 140162, MedGen C0027672, MeSH D009386, MONDO:0015356.

Submission:

Ambry Genetics
Classification: Pathogenic for Hereditary cancer-predisposing syndrome. Last evaluated: 2025-10-16. Review status: criteria provided, single submitter. Criteria: Ambry Variant Classification Scheme 2023. Collection method: clinical testing. Allele origin: germline.
Comment: The c.2337delG pathogenic mutation, located in coding exon 14 of the ATM gene, results from a deletion of one nucleotide at nucleotide position 2337, causing a translational frameshift with a predicted alternate stop codon (p.M779Ifs*9). This variant is considered to be rare based on population cohorts in the Genome Aggregation Database (gnomAD). This alteration is expected to result in loss of function by premature protein truncation or nonsense-mediated mRNA decay. As such, this alteration is interpreted as a disease-causing mutation.

NM_000051.4(ATM):c.2337del (p.Met779fs)

Gene: ATM (ATM serine/threonine kinase; plus strand). Cytogenetic location: 11q22.3.
Variant type: Deletion.
Coding change: c.2337del on transcript NM_000051.4 (MANE Select); coding-DNA position 2337, one base deleted (G; older notation c.2337delG).
Protein change: p.Met779fs; shifts the reading frame from methionine 779.
Molecular consequence: frameshift variant.
Genome position (GRCh38, 1-based): chr11:108,257,567, G deleted. VCF-style (leftmost placement, unchanged base first): chr11-108257566-TG-T. GRCh37 (hg19) VCF-style: chr11-108128293-TG-T.
Other names: c.2337del, p.Met779fs (NM_001351834.2); short protein forms M779fs.
Identifiers: ClinVar variation 4617483 (VCV004617483.1).